The following is an entry in ClinVar:

NM_000051.4(ATM):c.2418G>T (p.Leu806Phe)

Gene: ATM (ATM serine/threonine kinase; plus strand). Cytogenetic location: 11q22.3.
Variant type: single nucleotide variant.
Coding change: c.2418G>T on transcript NM_000051.4 (MANE Select); coding-DNA position 2418, G replaced by T.
Protein change: p.Leu806Phe; replaces leucine 806 with phenylalanine.
Molecular consequence: missense variant.
Genome position (GRCh38, 1-based): chr11:108,259,027, G>T. VCF-style: chr11-108259027-G-T. GRCh37 (hg19) VCF-style: chr11-108129754-G-T.
Other names: c.2418G>T, p.Leu806Phe (NM_001351834.2); short protein forms L806F.
Identifiers: ClinVar variation 140813 (VCV000140813.43), dbSNP rs587781296, ClinGen allele CA163631.

ClinVar aggregate classification (germline): Uncertain significance. Review status: criteria provided, multiple submitters, no conflicts (2 of 4 stars). 12 submissions from 12 submitters: Uncertain significance (10). 2 of the submissions do not count toward it. Last evaluated 2025-12-23.

Conditions:
Breast and/or ovarian cancer. Identifiers: MedGen CN221562.
Hereditary cancer-predisposing syndrome. Also called: Tumor predisposition; Hereditary neoplastic syndrome; Hereditary Cancer Syndrome; Neoplastic Syndromes, Hereditary. Identifiers: Orphanet 140162, MedGen C0027672, MeSH D009386, MONDO:0015356.
Familial cancer of breast. Also called: Hereditary breast cancer; hereditary breast carcinoma; BREAST CANCER, FAMILIAL. Identifiers: Orphanet 227535, MedGen C0346153, MONDO:0016419, OMIM 114480. Disease mechanism: loss of function.
Ataxia-telangiectasia syndrome (AT). Also called: ATAXIA-TELANGIECTASIA, COMPLEMENTATION GROUP A; ATAXIA-TELANGIECTASIA, FRESNO VARIANT; Ataxia-telangiectasia; Ataxia-telangiectasia, complementation group D; AT, COMPLEMENTATION GROUP C; Ataxia-telangiectasia, complementation group E. Identifiers: Orphanet 100, MedGen C0004135, MONDO:0008840, OMIM 208900.
Malignant tumor of breast. Also called: Cancer breast; Malignant breast neoplasm. Identifiers: MedGen C0006142, MONDO:0007254. Disease mechanism: loss of function.

Allele frequency attached by ClinVar (database versions not stated): ExAC 0.00001; gnomAD exomes 0.00001; TOPMed 0.00002; gnomAD 0.00003 and 0.00004.
gnomAD v4.1: 52 of 1,613,726 alleles (0.0032%); highest among the groups gnomAD compares: Non-Finnish European, 0.0043%; no homozygotes.

Submissions (12):

Labcorp Genetics (formerly Invitae), Labcorp
Classification: Uncertain significance for Ataxia-telangiectasia syndrome. Last evaluated: 2025-12-23. Review status: criteria provided, single submitter. Criteria: Invitae Variant Classification Sherloc (09022015). Collection method: clinical testing. Allele origin: germline.
Comment: This sequence change replaces leucine, which is neutral and non-polar, with phenylalanine, which is neutral and non-polar, at codon 806 of the ATM protein (p.Leu806Phe). This variant is present in population databases (rs587781296, gnomAD 0.002%). This missense change has been observed in individual(s) with breast cancer (PMID: 28779002, 34326862). ClinVar contains an entry for this variant (Variation ID: 140813). Invitae Evidence Modeling of protein sequence and biophysical properties (such as structural, functional, and spatial information, amino acid conservation, physicochemical variation, residue mobility, and thermodynamic stability) indicates that this missense variant is not expected to disrupt ATM protein function with a negative predictive value of 95%. In summary, the available evidence is currently insufficient to determine the role of this variant in disease. Therefore, it has been classified as a Variant of Uncertain Significance.

CeGaT Center for Human Genetics Tuebingen
Classification: Uncertain significance. Last evaluated: 2025-07-01. Review status: criteria provided, single submitter. Criteria: CeGaT Center For Human Genetics Tuebingen Variant Classification Criteria Version 2. Collection method: clinical testing. Allele origin: germline. Affected: yes. Observed: 1 variant allele.
Comment: ATM: PM2

Molecular Pathology, Peter Maccallum Cancer Centre
Classification: Uncertain significance for Ataxia-telangiectasia syndrome. Last evaluated: 2025-05-28. Review status: criteria provided, single submitter. Criteria: ACMG Guidelines, 2015. Collection method: clinical testing. Allele origin: germline. Inheritance: Autosomal recessive inheritance.

Ambry Genetics
Classification: Uncertain significance for Hereditary cancer-predisposing syndrome. Last evaluated: 2024-09-24. Review status: criteria provided, single submitter. Criteria: Ambry Variant Classification Scheme 2023. Collection method: clinical testing. Allele origin: germline.
Comment: The p.L806F variant (also known as c.2418G>T), located in coding exon 15 of the ATM gene, results from a G to T substitution at nucleotide position 2418. The leucine at codon 806 is replaced by phenylalanine, an amino acid with highly similar properties. This alteration has been reported in at least one subject in a study of 13087 breast cancer cases and 5488 control individuals in the UK (Decker B et al. J. Med. Genet., 2017 11;54:732-741). This variant was also identified in a patient with breast cancer as part of a large Canadian cohort study of 2870 individuals (Bhai P et al. Front Genet, 2021 Jul;12:698595). This amino acid position is highly conserved in available vertebrate species. In addition, the in silico prediction for this alteration is inconclusive. Based on the available evidence, the clinical significance of this variant remains unclear.

Blueprint Genetics
Classification: Uncertain significance. Last evaluated: 2024-08-26. Review status: criteria provided, single submitter. Criteria: ACMG Guidelines, 2015. Collection method: clinical testing. Allele origin: germline.

Color Diagnostics, LLC DBA Color Health
Classification: Uncertain significance for Hereditary cancer-predisposing syndrome. Last evaluated: 2024-06-13. Review status: criteria provided, single submitter. Criteria: ACMG Guidelines, 2015. Collection method: clinical testing. Allele origin: germline.
Comment: This missense variant replaces leucine with phenylalanine at codon 806 of the ATM protein. Computational prediction suggests that this variant may not impact protein structure and function. To our knowledge, functional studies have not been reported for this variant. This variant has been reported in an individual affected with breast cancer (PMID: 28779002), an individual with an unspecified familial cancer syndrome, and in an unaffected control individual (PMID: 29641532). This variant has been identified in 3/282616 chromosomes in the general population by the Genome Aggregation Database (gnomAD). The available evidence is insufficient to determine the role of this variant in disease conclusively. Therefore, this variant is classified as a Variant of Uncertain Significance.

Baylor Genetics
Classification: Uncertain significance for Familial cancer of breast. Last evaluated: 2024-03-05. Review status: criteria provided, single submitter. Criteria: ACMG Guidelines, 2015. Collection method: clinical testing. Allele origin: unknown.

GeneDx
Classification: Uncertain significance. Last evaluated: 2023-11-12. Review status: criteria provided, single submitter. Criteria: GeneDx Variant Classification Process June 2021. Collection method: clinical testing. Allele origin: germline. Affected: yes.
Comment: Observed in individuals with breast or lung cancer (PMID: 28779002, 28843361); Not observed at significant frequency in large population cohorts (gnomAD); In silico analysis supports that this missense variant does not alter protein structure/function; This variant is associated with the following publications: (PMID: 28779002, 28843361)

CHEO Genetics Diagnostic Laboratory, Children's Hospital of Eastern Ontario
Classification: Uncertain significance for Breast and/or ovarian cancer. Last evaluated: 2021-06-09. Review status: criteria provided, single submitter. Criteria: ACMG Guidelines, 2015. Collection method: clinical testing. Allele origin: germline.

Genetic Services Laboratory, University of Chicago
Classification: Uncertain significance. Last evaluated: 2020-12-16. Review status: criteria provided, single submitter. Criteria: ACMG Guidelines, 2015. Collection method: clinical testing. Allele origin: germline. Affected: no.
Comment: This sequence change does not appear to have been previously described in patients with ATM-related disorders and has been described in the gnomAD database with a low population frequency of 0.0011% (dbSNP rs587781296). The p.Leu806Phe change affects a moderately conserved amino acid residue located in a domain of the ATM protein that is known to be functional. In-silico pathogenicity prediction tools (SIFT, PolyPhen2, Align GVGD, REVEL) provide contradictory results for the p.Leu806Phe substitution. Due to these contrasting evidences and the lack of functional studies, the clinical significance of the p.Leu806Phe change remains unknown at this time.

Natera, Inc.
Classification: Uncertain significance for Ataxia-telangiectasia. Last evaluated: 2020-09-16. Review status: no assertion criteria provided. Collection method: clinical testing. Allele origin: germline. Not counted in ClinVar's aggregate classification.

Department of Pathology and Laboratory Medicine, Sinai Health System
Classification: Uncertain significance for Malignant tumor of breast. Review status: no assertion criteria provided. Collection method: clinical testing. Allele origin: unknown. Affected: yes. Study: The Canadian Open Genetics Repository (COGR). Not counted in ClinVar's aggregate classification.
Comment: The ATM p.Leu806Phe variant was not identified in the literature nor was it identified in the GeneInsight-COGR, Cosmic, MutDB, or LOVD 3.0 databases. The variant was identified in dbSNP (ID: rs587781296) as "With Uncertain significance allele", and in ClinVar (classified as uncertain significance by Ambry Genetics, Invitae, Color Genomics). The variant was identified in control databases in 3 of 277040 chromosomes at a frequency of 0.00001 (Genome Aggregation Database Feb 27, 2017). The variant found in European population in 3 of 126632 chromosomes (freq: 0.00002), while the variant was not observed in the African, Other, Latino, Ashkenazi Jewish, East Asian, Finnish, and South Asian populations. The p.Leu806 residue is conserved in mammals and computational analyses (PolyPhen-2, SIFT, AlignGVGD, BLOSUM, MutationTaster) provide inconsistent predictions regarding the impact to the protein; this information is not very predictive of pathogenicity. The variant occurs outside of the splicing consensus sequence and 1 of 5 in silico or computational prediction software programs (SpliceSiteFinder, MaxEntScan, NNSPLICE, GeneSplicer, HumanSpliceFinder) predict a greater than 10% difference in splicing; this is not very predictive of pathogenicity. In summary, based on the above information the clinical significance of this variant cannot be determined with certainty at this time. This variant is classified as a variant of uncertain significance.

Literature cited by the submitters: PubMed 28779002 (cited by 3 submitters); PubMed 34326862 (cited by Labcorp Genetics (formerly Invitae), Labcorp and Ambry Genetics); PubMed 29641532 (cited by Ambry Genetics and Color Diagnostics, LLC DBA Color Health).